The following is an entry in ClinVar:

ClinVar aggregate classification (germline): Uncertain significance (1 of 4 stars; one submission).

Submission:

GeneDx
Classification: Uncertain significance. Last evaluated: 2022-07-18. Review status: criteria provided, single submitter. Criteria: GeneDx Variant Classification Process June 2021. Collection method: clinical testing. Allele origin: germline. Affected: yes.
Comment: Not observed at significant frequency in large population cohorts (gnomAD); In silico analysis supports that this missense variant does not alter protein structure/function; Has not been previously published as pathogenic or benign to our knowledge

NM_022124.6(CDH23):c.7097A>G (p.His2366Arg)

Gene: CDH23 (cadherin related 23; plus strand). Cytogenetic location: 10q22.1.
Variant type: single nucleotide variant.
Coding change: c.7097A>G on transcript NM_022124.6 (MANE Select); coding-DNA position 7097, A replaced by G.
Protein change: p.His2366Arg; replaces histidine 2366 with arginine.
Molecular consequence: missense variant.
Genome position (GRCh38, 1-based): chr10:71,799,153, A>G. VCF-style: chr10-71799153-A-G. GRCh37 (hg19) VCF-style: chr10-73558910-A-G.
Other names: c.377A>G, p.His126Arg (NM_001171933.1, NM_001171934.1); short protein forms H126R, H2366R.
Identifiers: ClinVar variation 2136229 (VCV002136229.1), dbSNP rs2494403220, ClinGen allele CA377158716.
Genomic context (GRCh38, chr10:71,799,153, plus strand): 5'-GGAGCCTCTGTGTCTTAGGGAAGGTCATTGCCAACCGGACAGTGGACTACGAGGAGGTGC[A>G]CTGGCTCAACTTTACCGTGAGGGCCTCAGACAACGGGTCCCCGCCCCGGGCAGCTGAGAT-3'
Protein context (NP_071407.4, residues 2356-2376): ANRTVDYEEV[His2366Arg]WLNFTVRASD